The following is an entry in ClinVar:

ClinVar aggregate classification (germline): Uncertain significance (1 of 4 stars; one submission).

Conditions:
Hereditary diffuse gastric adenocarcinoma (HDGC). Also called: DIFFUSE GASTRIC AND LOBULAR BREAST CANCER SYNDROME. Identifiers: Orphanet 26106, MedGen C1708349, MONDO:0007648, OMIM 137215.

Submission:

Labcorp Genetics (formerly Invitae), Labcorp
Classification: Uncertain significance for Hereditary diffuse gastric adenocarcinoma. Last evaluated: 2016-09-07. Review status: criteria provided, single submitter. Criteria: Invitae Variant Classification Sherloc (09022015). Collection method: clinical testing. Allele origin: germline.
Comment: A gross duplication of the genomic region encompassing the full coding sequence of the CDH1 gene has been identified. The boundaries of this event are unknown as the duplication extends beyond the assayed region for this gene and therefore may encompass additional genes. As the precise location of this duplication is unknown, it may be in tandem or it may be located elsewhere in the genome. This variant has not been reported in the literature in individuals with a CDH1-related disease. ClinVar contains an entry for this duplication (Variation ID: 239871). In summary, this is a duplication involving the entire coding region of the CDH1 gene. However, the genomic location and orientation of the duplicated sequence, and its effect on CDH1 function, is unknown. For these reasons, this change has been classified as a Variant of Uncertain Significance.

NM_004360.4(CDH1):c.-124-?_*2042+?dup4815

Genes: CDH1 (cadherin 1; plus strand), LOC128772404 (melanoma risk locus-associated MPRA allelic enhancer 16:68790502; plus strand), LOC128772405 (melanoma risk locus-associated MPRA allelic enhancer 16:68792712; plus strand), LOC128772406 (melanoma risk locus-associated MPRA allelic enhancer 16:68799944; plus strand), LOC128772407 (melanoma risk locus-associated MPRA allelic enhancer 16:68803726; plus strand) and 21 more. Cytogenetic location: 16q22.1.
Variant type: Duplication.
Coding change: c.-124-?_*2042+?dup4815 on transcript NM_004360.4.
Other names: c.-124-?_*2042+?dup (LRG_301t1).
Identifiers: ClinVar variation 239871 (VCV000239871.1).